The following is an entry in ClinVar:

NM_014140.4(SMARCAL1):c.1160G>A (p.Arg387His)

Gene: SMARCAL1 (SNF2 related chromatin remodeling annealing helicase 1; plus strand). Cytogenetic location: 2q35.
Variant type: single nucleotide variant.
Coding change: c.1160G>A on transcript NM_014140.4 (MANE Select); coding-DNA position 1160, G replaced by A.
Protein change: p.Arg387His; replaces arginine 387 with histidine.
Molecular consequence: missense variant.
Genome position (GRCh38, 1-based): chr2:216,428,608, G>A. VCF-style: chr2-216428608-G-A. GRCh37 (hg19) VCF-style: chr2-217293331-G-A.
Other names: c.1160G>A, p.Arg387His (NM_001127207.2); short protein forms R387H.
Identifiers: ClinVar variation 898423 (VCV000898423.6), dbSNP rs141881295, ClinGen allele CA2097808.

ClinVar aggregate classification (germline): Uncertain significance. Review status: criteria provided, multiple submitters, no conflicts (2 of 4 stars). 3 submissions from 3 submitters: Uncertain significance (3). Last evaluated 2023-11-07.

Conditions:
Schimke immuno-osseous dysplasia (SIOD). Also called: Schimke Immunoosseous Dysplasia. Identifiers: Orphanet 1830, MedGen C0877024, MONDO:0009458, OMIM 242900.

Allele frequency attached by ClinVar (database versions not stated): gnomAD exomes 0.00003 and 0.00004; gnomAD 0.00005; ExAC 0.00006; ESP Exome Variant Server 0.00008; TOPMed 0.00015.
gnomAD v4.1: 47 of 1,613,638 alleles (0.0029%); highest among the groups gnomAD compares: East Asian, 0.016%; no homozygotes.

Submissions (3):

Blueprint Genetics
Classification: Uncertain significance. Last evaluated: 2023-11-07. Review status: criteria provided, single submitter. Criteria: ACMG Guidelines, 2015. Collection method: clinical testing. Allele origin: germline.

Labcorp Genetics (formerly Invitae), Labcorp
Classification: Uncertain significance for Schimke immuno-osseous dysplasia. Last evaluated: 2022-08-04. Review status: criteria provided, single submitter. Criteria: Invitae Variant Classification Sherloc (09022015). Collection method: clinical testing. Allele origin: germline.
Comment: This sequence change replaces arginine, which is basic and polar, with histidine, which is basic and polar, at codon 387 of the SMARCAL1 protein (p.Arg387His). This variant is present in population databases (rs141881295, gnomAD 0.01%). This variant has not been reported in the literature in individuals affected with SMARCAL1-related conditions. ClinVar contains an entry for this variant (Variation ID: 898423). Algorithms developed to predict the effect of missense changes on protein structure and function output the following: SIFT: "Tolerated"; PolyPhen-2: "Probably Damaging"; Align-GVGD: "Class C0". The histidine amino acid residue is found in multiple mammalian species, which suggests that this missense change does not adversely affect protein function. In summary, the available evidence is currently insufficient to determine the role of this variant in disease. Therefore, it has been classified as a Variant of Uncertain Significance.

Illumina Laboratory Services, Illumina
Classification: Uncertain significance for Schimke immuno-osseous dysplasia. Last evaluated: 2018-01-13. Review status: criteria provided, single submitter. Criteria: ICSL Variant Classification Criteria 13 December 2019. Collection method: clinical testing. Allele origin: germline.